The following is an entry in ClinVar:

NM_013254.4(TBK1):c.1331G>C (p.Arg444Pro)

Gene: TBK1 (TANK binding kinase 1; plus strand). Cytogenetic location: 12q14.2.
Variant type: single nucleotide variant.
Coding change: c.1331G>C on transcript NM_013254.4 (MANE Select); coding-DNA position 1331, G replaced by C.
Protein change: p.Arg444Pro; replaces arginine 444 with proline.
Molecular consequence: missense variant.
Genome position (GRCh38, 1-based): chr12:64,486,008, G>C. VCF-style: chr12-64486008-G-C. GRCh37 (hg19) VCF-style: chr12-64879788-G-C.
Other names: short protein forms R444P.
Identifiers: ClinVar variation 3637641 (VCV003637641.2).

ClinVar aggregate classification (germline): Uncertain significance (1 of 4 stars; one submission).

Conditions:
Frontotemporal dementia and/or amyotrophic lateral sclerosis 4. Also called: FTDALS4. Identifiers: Orphanet 275872, MedGen C4225325, MONDO:0014641, OMIM 616439.

Submission:

Labcorp Genetics (formerly Invitae), Labcorp
Classification: Uncertain significance for Frontotemporal dementia and/or amyotrophic lateral sclerosis 4. Last evaluated: 2024-10-14. Review status: criteria provided, single submitter. Criteria: Invitae Variant Classification Sherloc (09022015). Collection method: clinical testing. Allele origin: germline.
Comment: This sequence change replaces arginine, which is basic and polar, with proline, which is neutral and non-polar, at codon 444 of the TBK1 protein (p.Arg444Pro). This variant is not present in population databases (gnomAD no frequency). This variant has not been reported in the literature in individuals affected with TBK1-related conditions. Invitae Evidence Modeling of protein sequence and biophysical properties (such as structural, functional, and spatial information, amino acid conservation, physicochemical variation, residue mobility, and thermodynamic stability) indicates that this missense variant is not expected to disrupt TBK1 protein function with a negative predictive value of 95%. In summary, the available evidence is currently insufficient to determine the role of this variant in disease. Therefore, it has been classified as a Variant of Uncertain Significance.